The following is an entry in ClinVar:

ClinVar aggregate classification (germline): Uncertain significance. Review status: criteria provided, multiple submitters, no conflicts (2 of 4 stars). 2 submissions from 2 submitters: Uncertain significance (2). Last evaluated 2024-04-21.

Conditions:
Xanthinuria type II. Also called: Xanthine dehydrogenase and aldehyde oxidase combined deficiency of; XDH and AOX dual deficiency. Identifiers: Orphanet 3467, Orphanet 93602, MedGen C1863688, MONDO:0011346, OMIM 603592.
Hereditary xanthinuria type 1 (XAN1). Identifiers: Orphanet 3467, Orphanet 93601, MedGen C0268118, MONDO:0010209, OMIM 278300.

Allele frequency attached by ClinVar (database versions not stated): TOPMed 0.00002; gnomAD exomes 0.00003.
gnomAD v4.1: 19 of 1,614,034 alleles (0.0012%); highest among the groups gnomAD compares: Middle Eastern, 0.016%; no homozygotes.

Submissions (2):

Fulgent Genetics
Classification: Uncertain significance for Hereditary xanthinuria type 1. Last evaluated: 2024-04-21. Review status: criteria provided, single submitter. Criteria: ACMG Guidelines, 2015. Collection method: clinical testing. Allele origin: germline.

Labcorp Genetics (formerly Invitae), Labcorp
Classification: Uncertain significance for Xanthinuria type II. Last evaluated: 2019-07-15. Review status: criteria provided, single submitter. Criteria: Invitae Variant Classification Sherloc (09022015). Collection method: clinical testing. Allele origin: germline.
Comment: This variant has not been reported in the literature in individuals with XDH-related conditions. In summary, the available evidence is currently insufficient to determine the role of this variant in disease. Therefore, it has been classified as a Variant of Uncertain Significance. Algorithms developed to predict the effect of missense changes on protein structure and function are either unavailable or do not agree on the potential impact of this missense change (SIFT: "Deleterious"; PolyPhen-2: "Probably Damaging"; Align-GVGD: "Class C0"). This variant is present in population databases (rs754593222, ExAC 0.007%). This sequence change replaces serine with cysteine at codon 56 of the XDH protein (p.Ser56Cys). The serine residue is highly conserved and there is a moderate physicochemical difference between serine and cysteine.

NM_000379.4(XDH):c.167C>G (p.Ser56Cys)

Gene: XDH (xanthine dehydrogenase; minus strand). Cytogenetic location: 2p23.1.
Variant type: single nucleotide variant.
Coding change: c.167C>G on transcript NM_000379.4 (MANE Select); coding-DNA position 167, C replaced by G.
Protein change: p.Ser56Cys; replaces serine 56 with cysteine.
Molecular consequence: missense variant.
Genome position (GRCh38, 1-based): chr2:31,403,078, G>C on the plus strand (C>G on the coding strand, the complement: XDH is on the minus strand). VCF-style: chr2-31403078-G-C. GRCh37 (hg19) VCF-style: chr2-31625944-G-C.
Other names: short protein forms S56C.
Identifiers: ClinVar variation 945553 (VCV000945553.11), dbSNP rs754593222, ClinGen allele CA1599748.